The following is an entry in ClinVar:

NM_000632.4(ITGAM):c.1504C>T (p.Arg502Trp)

Gene: ITGAM (integrin subunit alpha M; plus strand). Cytogenetic location: 16p11.2.
Variant type: single nucleotide variant.
Coding change: c.1504C>T on transcript NM_000632.4 (MANE Select); coding-DNA position 1504, C replaced by T.
Protein change: p.Arg502Trp; replaces arginine 502 with tryptophan.
Molecular consequence: missense variant.
Genome position (GRCh38, 1-based): chr16:31,297,751, C>T. VCF-style: chr16-31297751-C-T. GRCh37 (hg19) VCF-style: chr16-31309072-C-T.
Other names: c.1504C>T (NM_000632.3); c.1507C>T, p.Arg503Trp (NM_001145808.2); short protein forms R503W, R502W.
Identifiers: ClinVar variation 1498780 (VCV001498780.7), dbSNP rs770630528, ClinGen allele CA8025592.

ClinVar aggregate classification (germline): Uncertain significance. Review status: criteria provided, multiple submitters, no conflicts (2 of 4 stars). 2 submissions from 2 submitters: Uncertain significance (2). Last evaluated 2024-06-21.

Allele frequency attached by ClinVar (database versions not stated): ExAC 0.00001; gnomAD 0.00001; gnomAD exomes 0.00001; TOPMed 0.00002.
gnomAD v4.1: 29 of 1,595,058 alleles (0.0018%); highest among the groups gnomAD compares: Non-Finnish European, 0.0021%; no homozygotes.

Submissions (2):

Labcorp Genetics (formerly Invitae), Labcorp
Classification: Uncertain significance. Last evaluated: 2024-06-21. Review status: criteria provided, single submitter. Criteria: Invitae Variant Classification Sherloc (09022015). Collection method: clinical testing. Allele origin: germline.
Comment: This sequence change replaces arginine, which is basic and polar, with tryptophan, which is neutral and slightly polar, at codon 502 of the ITGAM protein (p.Arg502Trp). The frequency data for this variant in the population databases is considered unreliable, as metrics indicate poor data quality at this position in the gnomAD database. This variant has not been reported in the literature in individuals affected with ITGAM-related conditions. ClinVar contains an entry for this variant (Variation ID: 1498780). An algorithm developed to predict the effect of missense changes on protein structure and function (PolyPhen-2) suggests that this variant is likely to be disruptive. Algorithms developed to predict the effect of sequence changes on RNA splicing suggest that this variant may disrupt the consensus splice site. In summary, the available evidence is currently insufficient to determine the role of this variant in disease. Therefore, it has been classified as a Variant of Uncertain Significance.

Ambry Genetics
Classification: Uncertain significance. Last evaluated: 2022-12-13. Review status: criteria provided, single submitter. Criteria: Ambry Variant Classification Scheme 2023. Collection method: clinical testing. Allele origin: germline.